The following is an entry in ClinVar:

NM_005515.4(MNX1):c.600_609del (p.Ile201fs)

Gene: MNX1 (motor neuron and pancreas homeobox 1; minus strand). Cytogenetic location: 7q36.3.
Variant type: Deletion.
Coding change: c.600_609del on transcript NM_005515.4 (MANE Select); coding-DNA positions 600 to 609, 10 bases deleted (CATCAAGCTG; older notation c.600_609delCATCAAGCTG).
Protein change: p.Ile201fs; shifts the reading frame from isoleucine 201.
Molecular consequence: frameshift variant.
Genome position (GRCh38, 1-based): chr7:157,009,742-157,009,751, CAGCTTGATG deleted on the plus strand (CATCAAGCTG on the coding strand, the reverse complement: MNX1 is on the minus strand). VCF-style (leftmost placement, unchanged base first): chr7-157009741-CCAGCTTGATG-C. GRCh37 (hg19) VCF-style: chr7-156802435-CCAGCTTGATG-C.
Other names: short protein forms I201fs.
Identifiers: ClinVar variation 1386281 (VCV001386281.6), dbSNP rs2134846034, ClinGen allele CA2573141899.
Genomic context (GRCh38, chr7:157,009,741, plus strand): 5'-GCAGGATCATGCCCGCGGTGGACGCGCGCAGCCACTGGTCCAGCTGGAAGGTGCCGGCGC[CCAGCTTGATG>C]GGGTCGGCGGGGTGCGCGGGGTGCGCGCCTTGCACCTGCGGGTACGAGTAGGAGAGCGCC-3'

ClinVar aggregate classification (germline): Pathogenic (1 of 4 stars; one submission).

Submission:

Labcorp Genetics (formerly Invitae), Labcorp
Classification: Pathogenic. Last evaluated: 2021-02-06. Review status: criteria provided, single submitter. Criteria: Invitae Variant Classification Sherloc (09022015). Collection method: clinical testing. Allele origin: germline.
Comment: For these reasons, this variant has been classified as Pathogenic. This sequence change creates a premature translational stop signal (p.Ile201Alafs*18) in the MNX1 gene. It is expected to result in an absent or disrupted protein product. Loss-of-function variants in MNX1 are known to be pathogenic (PMID: 10631160, 10749657, 16254195, 24095820). This variant is not present in population databases (ExAC no frequency). This variant has not been reported in the literature in individuals with MNX1-related conditions.

Literature cited by the submitters: PubMed 10631160; PubMed 10749657; PubMed 16254195; PubMed 24095820.